The following is an entry in ClinVar:

ClinVar aggregate classification (germline): Likely pathogenic (1 of 4 stars; one submission).

Allele frequency attached by ClinVar (database versions not stated): TOPMed 0.00001.

Submission:

GeneDx
Classification: Likely pathogenic. Last evaluated: 2013-04-05. Review status: criteria provided, single submitter. Criteria: GeneDx Variant Classification (06012015). Collection method: clinical testing. Allele origin: germline. Affected: yes.
Comment: A novel L207P missense change that is likely pathogenic was identified in the TACO1 gene. It has not been published as a pathogenic variant, nor has it been reported as a benign polymorphism to our knowledge. The amino acid change is semi-conservative as both Leucine and Proline are uncharged, non-polar amino acids, but the introduction of a Proline with its unique ring structure could affect the secondary structure of the TACO1 protein. This change occurs at a highly conserved position in the TACO1 protein, and multiple in-silico analysis programs predict that L207P is damaging to the TACO1 protein. Therefore, L207P is a strong candidate for a pathogenic variant, however the possibility that it is a benign variant cannot be excluded.

NM_016360.4(TACO1):c.620T>C (p.Leu207Pro)

Gene: TACO1 (translational activator of cytochrome c oxidase I; plus strand). Cytogenetic location: 17q23.3.
Variant type: single nucleotide variant.
Coding change: c.620T>C on transcript NM_016360.4 (MANE Select); coding-DNA position 620, T replaced by C.
Protein change: p.Leu207Pro; replaces leucine 207 with proline.
Molecular consequence: missense variant.
Genome position (GRCh38, 1-based): chr17:63,607,391, T>C. VCF-style: chr17-63607391-T-C. GRCh37 (hg19) VCF-style: chr17-61684751-T-C.
Other names: short protein forms L207P.
Identifiers: ClinVar variation 418512 (VCV000418512.2), dbSNP rs1064793277, ClinGen allele CA16620552.
Genomic context (GRCh38, chr17:63,607,391, plus strand): 5'-GGGTGATTGTGGTTGAAGTGGAGGACAGAGAGAAGAAGGCTGTGAACCTAGAGCGTGCCC[T>C]GGAGATGGCAATCGAAGCAGGAGCTGAGGATGTCAAGGAAACTGAAGATGAAGAAGAAAG-3'
Protein context (NP_057444.2, residues 197-217): EKKAVNLERA[Leu207Pro]EMAIEAGAED